The following is an entry in ClinVar:

ClinVar aggregate classification (germline): Uncertain significance (1 of 4 stars; one submission).

Conditions:
Dystonic disorder. Also called: Dystonia. Identifiers: MedGen C0013421, MONDO:0003441, HP:0001332.

Allele frequency attached by ClinVar (database versions not stated): gnomAD 0.00001; gnomAD exomes 0.00001; TOPMed 0.00001.
gnomAD v4.1: 6 of 1,551,952 alleles (0.00039%); highest among the groups gnomAD compares: Admixed American, 0.011%; no homozygotes.

Submission:

Labcorp Genetics (formerly Invitae), Labcorp
Classification: Uncertain significance for Dystonic disorder. Last evaluated: 2023-12-11. Review status: criteria provided, single submitter. Criteria: Invitae Variant Classification Sherloc (09022015). Collection method: clinical testing. Allele origin: germline.
Comment: This sequence change replaces threonine, which is neutral and polar, with alanine, which is neutral and non-polar, at codon 876 of the CIZ1 protein (p.Thr876Ala). This variant is present in population databases (no rsID available, gnomAD 0.02%). This variant has not been reported in the literature in individuals affected with CIZ1-related conditions. ClinVar contains an entry for this variant (Variation ID: 2202278). Algorithms developed to predict the effect of missense changes on protein structure and function output the following: SIFT: "Not Available"; PolyPhen-2: "Benign"; Align-GVGD: "Not Available". The alanine amino acid residue is found in multiple mammalian species, which suggests that this missense change does not adversely affect protein function. In summary, the available evidence is currently insufficient to determine the role of this variant in disease. Therefore, it has been classified as a Variant of Uncertain Significance.

NM_001131016.2(CIZ1):c.2626A>G (p.Thr876Ala)

Gene: CIZ1 (CDKN1A interacting zinc finger protein 1; minus strand). Cytogenetic location: 9q34.11.
Variant type: single nucleotide variant.
Coding change: c.2626A>G on transcript NM_001131016.2 (MANE Select); coding-DNA position 2626, A replaced by G.
Protein change: p.Thr876Ala; replaces threonine 876 with alanine.
Molecular consequence: missense variant.
Genome position (GRCh38, 1-based): chr9:128,166,268, T>C on the plus strand (A>G on the coding strand, the complement: CIZ1 is on the minus strand). VCF-style: chr9-128166268-T-C. GRCh37 (hg19) VCF-style: chr9-130928547-T-C.
Other names: c.2458A>G, p.Thr820Ala (NM_001131015.2); c.2443A>G, p.Thr815Ala (NM_001131017.2); c.2386A>G, p.Thr796Ala (NM_001131018.2); c.2794A>G, p.Thr932Ala (NM_001257975.2); c.2323A>G, p.Thr775Ala (NM_001257976.2); c.2626A>G, p.Thr876Ala (NM_012127.3); short protein forms T775A, T815A, T820A, T876A, T796A, T932A.
Identifiers: ClinVar variation 2202278 (VCV002202278.4), dbSNP rs1042230806, ClinGen allele CA200368682.
Genomic context (GRCh38, chr9:128,166,268, plus strand): 5'-GGCGGGTTGAGCGCCGAGGTAGTGGGGGCTGGGAGGGTCGAGCCGTCACCTTGCTGGGTG[T>C]TTTGTCCTGGGTGTTGGGCTGGGAGGGTGGGCGGCCGCTGGAGGTGAACAGGGCTGTCAA-3'
Protein context (NP_001124488.1, residues 866-886): PPSQPNTQDK[Thr876Ala]PSKVTARPSQ